The following is an entry in ClinVar:

ClinVar aggregate classification (germline): Likely benign. Review status: criteria provided, multiple submitters, no conflicts (2 of 4 stars). 3 submissions from 3 submitters: Likely benign (3). Last evaluated 2025-10-01.

Allele frequency attached by ClinVar (database versions not stated): ExAC below 0.00001; gnomAD 0.00005; TOPMed 0.00005.

Submissions (3):

CeGaT Center for Human Genetics Tuebingen
Classification: Likely benign. Last evaluated: 2025-10-01. Review status: criteria provided, single submitter. Criteria: CeGaT Center For Human Genetics Tuebingen Variant Classification Criteria Version 2. Collection method: clinical testing. Allele origin: germline. Affected: yes. Observed: 1 variant allele.
Comment: LONP1: BP4, BP7

Labcorp Genetics (formerly Invitae), Labcorp
Classification: Likely benign. Last evaluated: 2025-04-19. Review status: criteria provided, single submitter. Criteria: Invitae Variant Classification Sherloc (09022015). Collection method: clinical testing. Allele origin: germline.

Blueprint Genetics
Classification: Likely benign. Last evaluated: 2023-11-22. Review status: criteria provided, single submitter. Criteria: ACMG Guidelines, 2015. Collection method: clinical testing. Allele origin: germline.

NM_004793.4(LONP1):c.61C>A (p.Arg21=)

Gene: LONP1 (lon peptidase 1, mitochondrial; minus strand). Cytogenetic location: 19p13.3.
Variant type: single nucleotide variant.
Coding change: c.61C>A on transcript NM_004793.4 (MANE Select); coding-DNA position 61, C replaced by A.
Protein change: p.Arg21=; no amino-acid change (arginine 21 retained).
Molecular consequence: synonymous variant. On other transcripts: non-coding transcript variant (1), intron variant (1).
Genome position (GRCh38, 1-based): chr19:5,720,072, G>T on the plus strand (C>A on the coding strand, the complement: LONP1 is on the minus strand). VCF-style: chr19-5720072-G-T. GRCh37 (hg19) VCF-style: chr19-5720083-G-T.
Other names: c.61C>A, p.Arg21= (NM_001276479.2); c.-160+147C>A (NM_001276480.1).
Identifiers: ClinVar variation 778807 (VCV000778807.15), dbSNP rs749947894, ClinGen allele CA9115251.